The following is an entry in ClinVar:

ClinVar aggregate classification (germline): Pathogenic (1 of 4 stars; one submission).

Conditions:
Mucopolysaccharidosis, MPS-III-A (MPS3A). Also called: Mucopolysaccharidosis type IIIA (Sanfilippo A); Mucopolysaccharidosis, type IIIA; mucopolysaccharidosis type 3A; MPS IIIA (Sanfilippo Syndrome Type A); HEPARAN SULFATE SULFATASE DEFICIENCY; SANFILIPPO SYNDROME A. Identifiers: Orphanet 581, Orphanet 79269, MedGen C0086647, MONDO:0009655, OMIM 252900.

Submission:

Labcorp Genetics (formerly Invitae), Labcorp
Classification: Pathogenic for Mucopolysaccharidosis, MPS-III-A. Last evaluated: 2025-08-21. Review status: criteria provided, single submitter. Criteria: Invitae Variant Classification Sherloc (09022015). Collection method: clinical testing. Allele origin: germline.
Comment: This sequence change creates a premature translational stop signal (p.Ser378Profs*35) in the SGSH gene. While this is not anticipated to result in nonsense mediated decay, it is expected to disrupt the last 125 amino acid(s) of the SGSH protein. This variant is not present in population databases (gnomAD no frequency). This variant has not been reported in the literature in individuals affected with SGSH-related conditions. ClinVar contains an entry for this variant (Variation ID: 2812649). This variant disrupts a region of the SGSH protein in which other variant(s) (p.Trp479*) have been determined to be pathogenic (PMID: 21204211). This suggests that this is a clinically significant region of the protein, and that variants that disrupt it are likely to be disease-causing. For these reasons, this variant has been classified as Pathogenic.

Literature cited by the submitters: PubMed 21204211.

NM_000199.5(SGSH):c.1131del (p.Ser378fs)

Gene: SGSH (N-sulfoglucosamine sulfohydrolase; minus strand). Cytogenetic location: 17q25.3.
Variant type: Deletion.
Coding change: c.1131del on transcript NM_000199.5 (MANE Select); coding-DNA position 1131, one base deleted (C; older notation c.1131delC).
Protein change: p.Ser378fs; shifts the reading frame from serine 378.
Molecular consequence: frameshift variant. On other transcripts: 3 prime UTR variant (2), non-coding transcript variant (1).
Genome position (GRCh38, 1-based): chr17:80,210,830, G deleted on the plus strand (C on the coding strand, the reverse complement: SGSH is on the minus strand). VCF-style (leftmost placement, unchanged base first): chr17-80210829-AG-A. GRCh37 (hg19) VCF-style: chr17-78184628-AG-A.
Other names: c.*218del (NM_001352921.3); c.*181del (NM_001352922.2); short protein forms S378fs.
Identifiers: ClinVar variation 2812649 (VCV002812649.3), dbSNP rs2510859617, ClinGen allele CA2739268495.